The following is an entry in ClinVar:

ClinVar aggregate classification (germline): Uncertain significance (1 of 4 stars; one submission).

Conditions:
POLD1-related polyposis and colorectal cancer syndrome (CRCS10). Also called: Colorectal cancer 10; COLORECTAL CANCER, SUSCEPTIBILITY TO, ON CHROMOSOME 19q; Colorectal cancer, susceptibility to, 10. Identifiers: Orphanet 220460, MedGen C2675481, MONDO:0012953, OMIM 612591.

Submission:

Labcorp Genetics (formerly Invitae), Labcorp
Classification: Uncertain significance for POLD1-related polyposis and colorectal cancer syndrome. Last evaluated: 2022-11-10. Review status: criteria provided, single submitter. Criteria: Invitae Variant Classification Sherloc (09022015). Collection method: clinical testing. Allele origin: germline.
Comment: In summary, the available evidence is currently insufficient to determine the role of this variant in disease. Therefore, it has been classified as a Variant of Uncertain Significance. Advanced modeling of protein sequence and biophysical properties (such as structural, functional, and spatial information, amino acid conservation, physicochemical variation, residue mobility, and thermodynamic stability) performed at Invitae indicates that this missense variant is not expected to disrupt POLD1 protein function. This sequence change replaces arginine, which is basic and polar, with leucine, which is neutral and non-polar, at codon 762 of the POLD1 protein (p.Arg762Leu). This variant is not present in population databases (gnomAD no frequency). This variant has not been reported in the literature in individuals affected with POLD1-related conditions. ClinVar contains an entry for this variant (Variation ID: 1498785).

NM_002691.4(POLD1):c.2285G>T (p.Arg762Leu)

Gene: POLD1 (DNA polymerase delta 1, catalytic subunit; plus strand). Cytogenetic location: 19q13.33.
Variant type: single nucleotide variant.
Coding change: c.2285G>T on transcript NM_002691.4 (MANE Select); coding-DNA position 2285, G replaced by T.
Protein change: p.Arg762Leu; replaces arginine 762 with leucine.
Molecular consequence: missense variant. On other transcripts: non-coding transcript variant (1).
Genome position (GRCh38, 1-based): chr19:50,413,776, G>T. VCF-style: chr19-50413776-G-T. GRCh37 (hg19) VCF-style: chr19-50917033-G-T.
Other names: c.2285G>T, p.Arg762Leu (NM_001256849.1); c.2363G>T, p.Arg788Leu (NM_001308632.1); short protein forms R788L, R762L.
Identifiers: ClinVar variation 1498785 (VCV001498785.8), dbSNP rs760638243, ClinGen allele CA406984057.